The following is an entry in ClinVar:

NM_016203.4(PRKAG2):c.466+45241A>C

Gene: PRKAG2 (protein kinase AMP-activated non-catalytic subunit gamma 2; minus strand). Cytogenetic location: 7q36.1.
Variant type: single nucleotide variant.
Coding change: c.466+45241A>C on transcript NM_016203.4 (MANE Select); 45241 bases into the intron after coding-DNA position 466, A replaced by C.
Molecular consequence: intron variant. On other transcripts: missense variant (6), initiator codon variant (1).
Genome position (GRCh38, 1-based): chr7:151,735,911, T>G on the plus strand (A>C on the coding strand, the complement: PRKAG2 is on the minus strand). VCF-style: chr7-151735911-T-G. GRCh37 (hg19) VCF-style: chr7-151432997-T-G.
Other names: c.83A>C, p.His28Pro (NM_001304527.2, NM_001363698.2, NM_001407028.1 and 2 more transcripts); c.1A>C, p.Met1Leu (NM_001407038.1); c.466+45241A>C (NM_001407031.1, NM_001407030.1, NM_001407023.1 and 2 more transcripts); c.149-60274A>C (NM_001407032.1); c.334+45241A>C (NM_001407026.1, NM_001040633.2, NM_001407027.1 and 1 more transcripts); c.360+45215A>C (NM_001407033.1); short protein forms H28P, M1L.
Identifiers: ClinVar variation 3033862 (VCV003033862.8), dbSNP rs138051386, ClinGen allele CA057193.

ClinVar aggregate classification (germline): Benign/Likely benign. Review status: criteria provided, multiple submitters, no conflicts (2 of 4 stars). 3 submissions from 3 submitters: Benign (1); Likely benign (1). 1 of the submissions does not count toward it. Last evaluated 2025-12-01.

Conditions:
PRKAG2-related disorder. Also called: PRKAG2-related condition; PRKAG2-related disorders.

Allele frequency attached by ClinVar (database versions not stated): ExAC 0.00028; 1000 Genomes Project 30x 0.00219; 1000 Genomes Project 0.00220.
gnomAD v4.1: 226 of 1,536,294 alleles (0.015%); highest among the groups gnomAD compares: East Asian, 0.2%; 1 homozygote.

Submissions (3):

CeGaT Center for Human Genetics Tuebingen
Classification: Benign. Last evaluated: 2025-12-01. Review status: criteria provided, single submitter. Criteria: CeGaT Center For Human Genetics Tuebingen Variant Classification Criteria Version 2. Collection method: clinical testing. Allele origin: germline. Affected: yes. Observed: 1 variant allele.
Comment: PRKAG2: BP4, BS1, BS2

Blueprint Genetics
Classification: Likely benign. Last evaluated: 2024-11-18. Review status: criteria provided, single submitter. Criteria: ACMG Guidelines, 2015. Collection method: clinical testing. Allele origin: germline.

PreventionGenetics, part of Exact Sciences
Classification: Likely benign for PRKAG2-related condition. Last evaluated: 2019-08-07. Review status: no assertion criteria provided. Collection method: clinical testing. Allele origin: germline. Not counted in ClinVar's aggregate classification.
Comment: This variant is classified as likely benign based on ACMG/AMP sequence variant interpretation guidelines (Richards et al. 2015 PMID: 25741868, with internal and published modifications).